The following is an entry in ClinVar:

ClinVar aggregate classification (germline): Uncertain significance (1 of 4 stars; one submission).

Conditions:
Loeys-Dietz syndrome 2 (LDS2). Also called: TGFBR2-Related Loeys-Dietz Syndrome; AORTIC ANEURYSM, FAMILIAL THORACIC 3; MARFAN SYNDROME, TYPE II; Marfan syndrome, type 2 (formerly); Marfan Syndrome type 2; Marfan like connective tissue disorder. Identifiers: Orphanet 284973, Orphanet 558, MedGen C2674574, MONDO:0012427, OMIM 610168.

Submission:

All of Us Research Program, National Institutes of Health
Classification: Uncertain significance for Loeys-Dietz syndrome 2. Last evaluated: 2024-05-30. Review status: criteria provided, single submitter. Criteria: ACMG Guidelines, 2015. Collection method: clinical testing. Allele origin: germline. Inheritance: Autosomal dominant inheritance. Observed: 1 variant allele, 1 heterozygote.
Comment: This missense variant replaces valine with aspartic acid at codon 15 of the TGFBR2 protein. Computational prediction is inconclusive regarding the impact of this variant on protein structure and function (internally defined REVEL score threshold 0.5 < inconclusive < 0.7, PMID: 27666373). To our knowledge, functional studies have not been reported for this variant. This variant has not been reported in individuals affected with TGFBR2-related disorders in the literature. This variant has not been identified in the general population by the Genome Aggregation Database (gnomAD). The available evidence is insufficient to determine the role of this variant in disease conclusively. Therefore, this variant is classified as a Variant of Uncertain Significance.

This study involves interpretation of variants in research participants for the purpose of population health screening. Participant phenotype was not available at the time of variant classification. Additional details can be found in publication PMID: 35346344, PMCID: PMC8962531

NM_003242.6(TGFBR2):c.44T>A (p.Val15Asp)

Gene: TGFBR2 (transforming growth factor beta receptor 2; plus strand). Cytogenetic location: 3p24.1.
Variant type: single nucleotide variant.
Coding change: c.44T>A on transcript NM_003242.6 (MANE Select); coding-DNA position 44, T replaced by A.
Protein change: p.Val15Asp; replaces valine 15 with aspartic acid.
Molecular consequence: missense variant. On other transcripts: 5 prime UTR variant (4), intron variant (2).
Genome position (GRCh38, 1-based): chr3:30,606,927, T>A. VCF-style: chr3-30606927-T-A. GRCh37 (hg19) VCF-style: chr3-30648419-T-A.
Other names: c.44T>A, p.Val15Asp (NM_001024847.3, NM_001407126.1, NM_001407127.1 and 4 more transcripts); c.-240T>A (NM_001407133.1); c.-118T>A (NM_001407134.1); c.-165T>A (NM_001407135.1); c.-250T>A (NM_001407136.1); c.-12+334T>A (NM_001407129.1, NM_001407132.1); short protein forms V15D.
Identifiers: ClinVar variation 3386053 (VCV003386053.1).